The following is an entry in ClinVar:

NM_014806.5(RUSC2):c.4346C>A (p.Pro1449Gln)

Gene: RUSC2 (RUN and SH3 domain containing 2; plus strand). Cytogenetic location: 9p13.3.
Variant type: single nucleotide variant.
Coding change: c.4346C>A on transcript NM_014806.5 (MANE Select); coding-DNA position 4346, C replaced by A.
Protein change: p.Pro1449Gln; replaces proline 1449 with glutamine.
Molecular consequence: missense variant. On other transcripts: non-coding transcript variant (1).
Genome position (GRCh38, 1-based): chr9:35,561,094, C>A. VCF-style: chr9-35561094-C-A. GRCh37 (hg19) VCF-style: chr9-35561091-C-A.
Other names: c.4346C>A, p.Pro1449Gln (NM_001135999.2); c.1712C>A, p.Pro571Gln (NM_001330740.2); short protein forms P571Q, P1449Q.
Identifiers: ClinVar variation 2129798 (VCV002129798.4), dbSNP rs201990592, ClinGen allele CA373357429.

ClinVar aggregate classification (germline): Uncertain significance (1 of 4 stars; one submission).

Submission:

Labcorp Genetics (formerly Invitae), Labcorp
Classification: Uncertain significance. Last evaluated: 2022-04-23. Review status: criteria provided, single submitter. Criteria: Invitae Variant Classification Sherloc (09022015). Collection method: clinical testing. Allele origin: germline.
Comment: This sequence change replaces proline, which is neutral and non-polar, with glutamine, which is neutral and polar, at codon 1449 of the RUSC2 protein (p.Pro1449Gln). This variant is not present in population databases (gnomAD no frequency). This variant has not been reported in the literature in individuals affected with RUSC2-related conditions. Algorithms developed to predict the effect of missense changes on protein structure and function are either unavailable or do not agree on the potential impact of this missense change (SIFT: "Tolerated"; PolyPhen-2: "Probably Damaging"; Align-GVGD: "Class C0"). In summary, the available evidence is currently insufficient to determine the role of this variant in disease. Therefore, it has been classified as a Variant of Uncertain Significance.